The following is an entry in ClinVar:

ClinVar aggregate classification (germline): Uncertain significance (1 of 4 stars; one submission).

Conditions:
Familial hypercholesterolemia. Also called: Familial hypercholesterolaemia. Identifiers: MedGen C0020445, MONDO:0005439.

Allele frequency attached by ClinVar (database versions not stated): gnomAD exomes below 0.00001.
gnomAD v4.1: 2 of 1,614,090 alleles (0.00012%); highest among the groups gnomAD compares: Non-Finnish European, 0.00017%; no homozygotes.

Submission:

Color Diagnostics, LLC DBA Color Health
Classification: Uncertain significance for Familial hypercholesterolemia. Last evaluated: 2024-03-06. Review status: criteria provided, single submitter. Criteria: ACMG Guidelines, 2015. Collection method: clinical testing. Allele origin: germline.
Comment: This missense variant replaces glutamine with arginine at codon 344 of the PCSK9 protein. Computational prediction is inconclusive regarding the impact of this variant on protein structure and function (internally defined REVEL score threshold 0.5 < inconclusive < 0.7, PMID: 27666373). To our knowledge, functional studies have not been reported for this variant. This variant has not been reported in individuals affected with familial hypercholesterolemia in the literature. This variant has not been identified in the general population by the Genome Aggregation Database (gnomAD). The available evidence is insufficient to determine the role of this variant in disease conclusively. Therefore, this variant is classified as a Variant of Uncertain Significance.

NM_174936.4(PCSK9):c.1031A>G (p.Gln344Arg)

Gene: PCSK9 (proprotein convertase subtilisin/kexin type 9; plus strand). Cytogenetic location: 1p32.3.
Variant type: single nucleotide variant.
Coding change: c.1031A>G on transcript NM_174936.4 (MANE Select); coding-DNA position 1031, A replaced by G.
Protein change: p.Gln344Arg; replaces glutamine 344 with arginine.
Molecular consequence: missense variant.
Genome position (GRCh38, 1-based): chr1:55,057,365, A>G. VCF-style: chr1-55057365-A-G. GRCh37 (hg19) VCF-style: chr1-55523038-A-G.
Other names: c.1154A>G, p.Gln385Arg (NM_001407240.1); c.1031A>G, p.Gln344Arg (NM_001407241.1, NM_001407244.1, NM_001407247.1); c.1034A>G, p.Gln345Arg (NM_001407242.1); c.974A>G, p.Gln325Arg (NM_001407243.1); c.839A>G, p.Gln280Arg (NM_001407245.1); c.656A>G, p.Gln219Arg (NM_001407246.1); short protein forms Q344R, Q219R, Q280R, Q325R, Q345R, Q385R.
Identifiers: ClinVar variation 1332624 (VCV001332624.4), dbSNP rs2100320153, ClinGen allele CA340476398.